The following is an entry in ClinVar:

NM_145290.4(ADGRA3):c.1160C>T (p.Pro387Leu)

Gene: ADGRA3 (adhesion G protein-coupled receptor A3; minus strand). Cytogenetic location: 4p15.2.
Variant type: single nucleotide variant.
Coding change: c.1160C>T on transcript NM_145290.4 (MANE Select); coding-DNA position 1160, C replaced by T.
Protein change: p.Pro387Leu; replaces proline 387 with leucine.
Molecular consequence: missense variant.
Genome position (GRCh38, 1-based): chr4:22,436,567, G>A on the plus strand (C>T on the coding strand, the complement: ADGRA3 is on the minus strand). VCF-style: chr4-22436567-G-A. GRCh37 (hg19) VCF-style: chr4-22438190-G-A.
Other names: short protein forms P387L.
Identifiers: ClinVar variation 1364942 (VCV001364942.6), dbSNP rs1474458118, ClinGen allele CA356482309.

ClinVar aggregate classification (germline): Uncertain significance (1 of 4 stars; one submission).

Allele frequency attached by ClinVar (database versions not stated): gnomAD 0.00001; gnomAD exomes 0.00001.
gnomAD v4.1: 5 of 1,613,826 alleles (0.00031%); highest among the groups gnomAD compares: Non-Finnish European, 0.00034%; no homozygotes.

Submission:

Labcorp Genetics (formerly Invitae), Labcorp
Classification: Uncertain significance. Last evaluated: 2024-04-08. Review status: criteria provided, single submitter. Criteria: Invitae Variant Classification Sherloc (09022015). Collection method: clinical testing. Allele origin: germline.
Comment: This sequence change replaces proline, which is neutral and non-polar, with leucine, which is neutral and non-polar, at codon 387 of the ADGRA3 protein (p.Pro387Leu). This variant is present in population databases (no rsID available, gnomAD 0.002%). This variant has not been reported in the literature in individuals affected with ADGRA3-related conditions. ClinVar contains an entry for this variant (Variation ID: 1364942). An algorithm developed to predict the effect of missense changes on protein structure and function (PolyPhen-2) suggests that this variant is likely to be tolerated. In summary, the available evidence is currently insufficient to determine the role of this variant in disease. Therefore, it has been classified as a Variant of Uncertain Significance.